The following is an entry in ClinVar:

NM_007294.4(BRCA1):c.3450del (p.Asp1151fs)

Genes: BRCA1 (BRCA1 DNA repair associated; minus strand), LOC126862571 (BRD4-independent group 4 enhancer GRCh37_chr17:41243136-41244335; plus strand). Cytogenetic location: 17q21.31.
Variant type: Deletion.
Coding change: c.3450del on transcript NM_007294.4 (MANE Select); coding-DNA position 3450, one base deleted (T; older notation c.3450delT).
Protein change: p.Asp1151fs; shifts the reading frame from aspartic acid 1151.
Molecular consequence: frameshift variant. On other transcripts: intron variant (135).
Genome position (GRCh38, 1-based): chr17:43,092,081, A deleted on the plus strand (T on the coding strand, the reverse complement: BRCA1 is on the minus strand). VCF-style (leftmost placement, unchanged base first): chr17-43092080-CA-C. GRCh37 (hg19) VCF-style: chr17-41244097-CA-C.
Other names: c.3237del, p.Asp1080fs (NM_001407571.1, NM_001407853.1, NM_001407894.1 and 9 more transcripts); c.3450del, p.Asp1151fs (NM_001407581.1, NM_001407582.1, NM_001407583.1 and 30 more transcripts); c.3447del, p.Asp1150fs (NM_001407587.1, NM_001407590.1, NM_001407611.1 and 22 more transcripts); c.3441del, p.Asp1148fs (NM_001407646.1, NM_001407647.1); c.3327del, p.Asp1110fs (NM_001407648.1, NM_001407664.1, NM_001407665.1 and 19 more transcripts); c.3324del, p.Asp1109fs (NM_001407649.1, NM_001407670.1, NM_001407671.1 and 11 more transcripts); c.3372del, p.Asp1125fs (NM_001407653.1, NM_001407654.1, NM_001407655.1 and 4 more transcripts); c.3369del, p.Asp1124fs (NM_001407659.1, NM_001407660.1, NM_001407661.1 and 1 more transcripts); and 41 more; short protein forms D1151fs, D1104fs, D1023fs, D1039fs, D1081fs, D1124fs, D855fs, D1062fs.
Identifiers: ClinVar variation 54888 (VCV000054888.3), dbSNP rs397509068, ClinGen allele CA002230.

ClinVar aggregate classification (germline): Pathogenic. Review status: reviewed by expert panel (3 of 4 stars). 2 submissions from 2 submitters: Pathogenic (1). 1 of the submissions does not count toward it. Last evaluated 2017-12-15.

Conditions:
Breast-ovarian cancer, familial, susceptibility to, 1 (BROVCA1). Also called: BRCA1 Hereditary Breast and Ovarian Cancer; OVARIAN CANCER, SUSCEPTIBILITY TO. Identifiers: Orphanet 145, MedGen C2676676, MONDO:0011450, OMIM 604370. Disease mechanism: loss of function.
Familial cancer of breast. Also called: hereditary breast carcinoma; BREAST CANCER, FAMILIAL; Hereditary breast cancer. Identifiers: Orphanet 227535, MedGen C0346153, MONDO:0016419, OMIM 114480. Disease mechanism: loss of function.

Submissions (2):

Evidence-based Network for the Interpretation of Germline Mutant Alleles (ENIGMA)
Classification: Pathogenic for Breast-ovarian cancer, familial, susceptibility to, 1. Last evaluated: 2017-12-15. Review status: reviewed by expert panel. Criteria: ENIGMA BRCA1/2 Classification Criteria (2017-06-29). Collection method: curation. Allele origin: germline. Study: ENIGMA.
Comment: Variant allele predicted to encode a truncated non-functional protein.

ClinVar Staff, National Center for Biotechnology Information (NCBI)
No classification provided. Condition: Familial cancer of breast. Review status: no classification provided. Collection method: literature only. Allele origin: germline. Affected: yes. Not counted in ClinVar's aggregate classification.

Literature cited by the submitters: PubMed 21614564 (cited by ClinVar Staff, National Center for Biotechnology Information (NCBI)).